The following is an entry in ClinVar:

ClinVar aggregate classification (germline): Likely pathogenic (1 of 4 stars; one submission).

Submission:

Labcorp Genetics (formerly Invitae), Labcorp
Classification: Likely pathogenic. Last evaluated: 2023-10-05. Review status: criteria provided, single submitter. Criteria: Invitae Variant Classification Sherloc (09022015). Collection method: clinical testing. Allele origin: germline.
Comment: This sequence change replaces glycine, which is neutral and non-polar, with glutamic acid, which is acidic and polar, at codon 300 of the COL2A1 protein (p.Gly300Glu). This variant is not present in population databases (gnomAD no frequency). This missense change has been observed in individual(s) with clinical features of Stickler syndrome (Invitae). Advanced modeling of protein sequence and biophysical properties (such as structural, functional, and spatial information, amino acid conservation, physicochemical variation, residue mobility, and thermodynamic stability) performed at Invitae indicates that this missense variant is expected to disrupt COL2A1 protein function. This variant disrupts the triple helix domain of COL2A1. Glycine residues within the Gly-Xaa-Yaa repeats of the triple helix domain are required for the structure and stability of fibrillar collagens (PMID: 7695699, 8218237, 19344236). In COL2A1, variants affecting these glycine residues are significantly enriched in individuals with disease (PMID: 9016532, 17078022) compared to the general population (ExAC). In summary, the currently available evidence indicates that the variant is pathogenic, but additional data are needed to prove that conclusively. Therefore, this variant has been classified as Likely Pathogenic.

Literature cited by the submitters: PubMed 7695699; PubMed 8218237; PubMed 19344236; PubMed 9016532; PubMed 17078022.

NM_001844.5(COL2A1):c.899G>A (p.Gly300Glu)

Gene: COL2A1 (collagen type II alpha 1 chain; minus strand). Cytogenetic location: 12q13.11.
Variant type: single nucleotide variant.
Coding change: c.899G>A on transcript NM_001844.5 (MANE Select); coding-DNA position 899, G replaced by A.
Protein change: p.Gly300Glu; replaces glycine 300 with glutamic acid.
Molecular consequence: missense variant.
Genome position (GRCh38, 1-based): chr12:47,993,834, C>T on the plus strand (G>A on the coding strand, the complement: COL2A1 is on the minus strand). VCF-style: chr12-47993834-C-T. GRCh37 (hg19) VCF-style: chr12-48387617-C-T.
Other names: c.692G>A, p.Gly231Glu (NM_033150.3); short protein forms G231E, G300E.
Identifiers: ClinVar variation 2766117 (VCV002766117.3), dbSNP rs2540168498, ClinGen allele CA384521904.